The following is an entry in ClinVar:

ClinVar aggregate classification (germline): Uncertain significance (1 of 4 stars; one submission).

Submission:

Labcorp Genetics (formerly Invitae), Labcorp
Classification: Uncertain significance. Last evaluated: 2025-12-08. Review status: criteria provided, single submitter. Criteria: Invitae Variant Classification Sherloc (09022015). Collection method: clinical testing. Allele origin: germline.
Comment: This sequence change replaces valine, which is neutral and non-polar, with alanine, which is neutral and non-polar, at codon 524 of the IRF2BP2 protein (p.Val524Ala). This variant is not present in population databases (gnomAD no frequency). This variant has not been reported in the literature in individuals affected with IRF2BP2-related conditions. An algorithm developed to predict the effect of missense changes on protein structure and function (PolyPhen-2) suggests that this variant is likely to be disruptive. In summary, the available evidence is currently insufficient to determine the role of this variant in disease. Therefore, it has been classified as a Variant of Uncertain Significance.

NM_182972.3(IRF2BP2):c.1571T>C (p.Val524Ala)

Gene: IRF2BP2 (interferon regulatory factor 2 binding protein 2; minus strand). Cytogenetic location: 1q42.3.
Variant type: single nucleotide variant.
Coding change: c.1571T>C on transcript NM_182972.3 (MANE Select); coding-DNA position 1571, T replaced by C.
Protein change: p.Val524Ala; replaces valine 524 with alanine.
Molecular consequence: missense variant.
Genome position (GRCh38, 1-based): chr1:234,607,330, A>G on the plus strand (T>C on the coding strand, the complement: IRF2BP2 is on the minus strand). VCF-style: chr1-234607330-A-G. GRCh37 (hg19) VCF-style: chr1-234743076-A-G.
Other names: c.1523T>C, p.Val508Ala (NM_001077397.1); short protein forms V508A, V524A.
Identifiers: ClinVar variation 4773823 (VCV004773823.1).
Genomic context (GRCh38, chr1:234,607,330, plus strand): 5'-CTAGCTCCCTGCTGTTTGATGCTTTGTCTGGAGCAAGGGAAGCAGAACTTGTGCGAAGGG[A>G]CGGACGGGCACTGCACAAAATGGGTGTCCTCCAGCCGCTCGTGGCAGAGGGTGCAGCACA-3'
Protein context (NP_892017.2, residues 514-534): EDTHFVQCPS[Val524Ala]PSHKFCFPCS